The following is an entry in ClinVar:

ClinVar aggregate classification (germline): Uncertain significance (1 of 4 stars; one submission).

Conditions:
Cardiovascular phenotype. Identifiers: MedGen CN230736.

gnomAD v4.1: 3 of 1,614,164 alleles (0.00019%); highest among the groups gnomAD compares: Middle Eastern, 0.016%; no homozygotes.

Submission:

Ambry Genetics
Classification: Uncertain significance for Cardiovascular phenotype. Last evaluated: 2025-10-27. Review status: criteria provided, single submitter. Criteria: Ambry Variant Classification Scheme 2023. Collection method: clinical testing. Allele origin: germline.
Comment: The p.S238N variant (also known as c.713G>A), located in coding exon 6 of the VCL gene, results from a G to A substitution at nucleotide position 713. The serine at codon 238 is replaced by asparagine, an amino acid with highly similar properties. This amino acid position is highly conserved in available vertebrate species. In addition, this alteration is predicted to be tolerated by in silico analysis. Based on the available evidence, the clinical significance of this variant remains unclear.

NM_014000.3(VCL):c.713G>A (p.Ser238Asn)

Gene: VCL (vinculin; plus strand). Cytogenetic location: 10q22.2.
Variant type: single nucleotide variant.
Coding change: c.713G>A on transcript NM_014000.3 (MANE Select); coding-DNA position 713, G replaced by A.
Protein change: p.Ser238Asn; replaces serine 238 with asparagine.
Molecular consequence: missense variant.
Genome position (GRCh38, 1-based): chr10:74,074,833, G>A. VCF-style: chr10-74074833-G-A. GRCh37 (hg19) VCF-style: chr10-75834591-G-A.
Other names: c.713G>A, p.Ser238Asn (NM_003373.4); short protein forms S238N.
Identifiers: ClinVar variation 4615409 (VCV004615409.1).